The following is an entry in ClinVar:

ClinVar aggregate classification (germline): Uncertain significance (1 of 4 stars; one submission).

Conditions:
Hereditary cancer-predisposing syndrome. Also called: Hereditary Cancer Syndrome; Tumor predisposition; Hereditary neoplastic syndrome; Neoplastic Syndromes, Hereditary. Identifiers: Orphanet 140162, MedGen C0027672, MeSH D009386, MONDO:0015356.

gnomAD v4.1: 1 of 1,608,342 alleles (0.000062%); highest among the groups gnomAD compares: Admixed American, 0.0017%; no homozygotes.

Submission:

Ambry Genetics
Classification: Uncertain significance for Hereditary cancer-predisposing syndrome. Last evaluated: 2024-03-18. Review status: criteria provided, single submitter. Criteria: Ambry Variant Classification Scheme 2023. Collection method: clinical testing. Allele origin: germline.
Comment: The p.L319P variant (also known as c.956T>C), located in coding exon 3 of the BLM gene, results from a T to C substitution at nucleotide position 956. The leucine at codon 319 is replaced by proline, an amino acid with similar properties. This amino acid position is conserved. In addition, this alteration is predicted to be tolerated by in silico analysis. Based on the available evidence, the clinical significance of this alteration remains unclear.

NM_000057.4(BLM):c.956T>C (p.Leu319Pro)

Gene: BLM (BLM RecQ like helicase; plus strand). Cytogenetic location: 15q26.1.
Variant type: single nucleotide variant.
Coding change: c.956T>C on transcript NM_000057.4 (MANE Select); coding-DNA position 956, T replaced by C.
Protein change: p.Leu319Pro; replaces leucine 319 with proline.
Molecular consequence: missense variant. On other transcripts: 5 prime UTR variant (1).
Genome position (GRCh38, 1-based): chr15:90,751,943, T>C. VCF-style: chr15-90751943-T-C. GRCh37 (hg19) VCF-style: chr15-91295173-T-C.
Other names: c.956T>C, p.Leu319Pro (NM_001287246.2, NM_001287247.2); c.-336T>C (NM_001287248.2); short protein forms L319P.
Identifiers: ClinVar variation 3261010 (VCV003261010.1).